The following is an entry in ClinVar:

ClinVar aggregate classification (germline): Conflicting classifications of pathogenicity. Review status: criteria provided, conflicting classifications (1 of 4 stars). 4 submissions from 4 submitters: Uncertain significance (3); Likely benign (1). Last evaluated 2024-01-13.

Conditions:
Hereditary breast ovarian cancer syndrome. Also called: Breast and ovarian cancer; Hereditary breast and ovarian cancer; Hereditary breast and/or ovarian cancer syndrome; BRCA1- and BRCA2-Associated Hereditary Breast and Ovarian Cancer; Hereditary breast and ovarian cancer syndrome; Hereditary breast and ovarian cancer syndrome (HBOC). Identifiers: Orphanet 145, MedGen C0677776, MeSH D061325, MONDO:0003582. Disease mechanism: loss of function.
Hereditary cancer-predisposing syndrome. Also called: Tumor predisposition; Hereditary neoplastic syndrome; Neoplastic Syndromes, Hereditary; Hereditary Cancer Syndrome. Identifiers: Orphanet 140162, MedGen C0027672, MeSH D009386, MONDO:0015356.

Allele frequency attached by ClinVar (database versions not stated): gnomAD exomes below 0.00001.
gnomAD v4.1: 2 of 1,613,846 alleles (0.00012%); highest among the groups gnomAD compares: Non-Finnish European, 0.00017%; no homozygotes.

Submissions (4):

Ambry Genetics
Classification: Uncertain significance for Hereditary cancer-predisposing syndrome. Last evaluated: 2024-01-13. Review status: criteria provided, single submitter. Criteria: Ambry Variant Classification Scheme 2023. Collection method: clinical testing. Allele origin: germline.
Comment: The p.S789G variant (also known as c.2365A>G), located in coding exon 9 of the BRCA1 gene, results from an A to G substitution at nucleotide position 2365. The serine at codon 789 is replaced by glycine, an amino acid with similar properties. This amino acid position is conserved. In addition, this alteration is predicted to be tolerated by in silico analysis. Since supporting evidence is limited at this time, the clinical significance of this alteration remains unclear.

Quest Diagnostics Nichols Institute San Juan Capistrano
Classification: Uncertain significance. Last evaluated: 2023-10-05. Review status: criteria provided, single submitter. Criteria: Quest Diagnostics criteria. Collection method: clinical testing. Allele origin: unknown.

University of Washington Department of Laboratory Medicine, University of Washington
Classification: Likely benign for Hereditary cancer-predisposing syndrome. Last evaluated: 2023-03-23. Review status: criteria provided, single submitter. Criteria: Dines et al. (Genet Med. 2020). Collection method: curation. Allele origin: germline.
Comment: Missense variant in a coldspot region where missense variants are very unlikely to be pathogenic (PMID:31911673).

BRCA1 coldspot (exon 11 using historical exon numbering). Reclassification based on statistical prior probability

Labcorp Genetics (formerly Invitae), Labcorp
Classification: Uncertain significance for Hereditary breast and ovarian cancer syndrome. Last evaluated: 2019-05-01. Review status: criteria provided, single submitter. Criteria: Invitae Variant Classification Sherloc (09022015). Collection method: clinical testing. Allele origin: germline.
Comment: This sequence change replaces serine with glycine at codon 789 of the BRCA1 protein (p.Ser789Gly). The serine residue is weakly conserved and there is a small physicochemical difference between serine and glycine. This variant is not present in population databases (ExAC no frequency). This variant has not been reported in the literature in individuals with BRCA1-related conditions. Algorithms developed to predict the effect of missense changes on protein structure and function output the following: SIFT: "Tolerated"; PolyPhen-2: "Benign"; Align-GVGD: "Class C0". The glycine amino acid residue is found in multiple mammalian species, suggesting that this missense change does not adversely affect protein function. These predictions have not been confirmed by published functional studies and their clinical significance is uncertain. In summary, the available evidence is currently insufficient to determine the role of this variant in disease. Therefore, it has been classified as a Variant of Uncertain Significance.

Literature cited by the submitters: PubMed 31911673 (cited by Quest Diagnostics Nichols Institute San Juan Capistrano).

NM_007294.4(BRCA1):c.2365A>G (p.Ser789Gly)

Gene: BRCA1 (BRCA1 DNA repair associated; minus strand). Cytogenetic location: 17q21.31.
Variant type: single nucleotide variant.
Coding change: c.2365A>G on transcript NM_007294.4 (MANE Select); coding-DNA position 2365, A replaced by G.
Protein change: p.Ser789Gly; replaces serine 789 with glycine.
Molecular consequence: missense variant. On other transcripts: intron variant (137).
Genome position (GRCh38, 1-based): chr17:43,093,166, T>C on the plus strand (A>G on the coding strand, the complement: BRCA1 is on the minus strand). VCF-style: chr17-43093166-T-C. GRCh37 (hg19) VCF-style: chr17-41245183-T-C.
Other names: c.2152A>G, p.Ser718Gly (NM_001407571.1, NM_001407853.1, NM_001407894.1 and 9 more transcripts); c.2365A>G, p.Ser789Gly (NM_001407581.1, NM_001407582.1, NM_001407583.1 and 30 more transcripts); c.2362A>G, p.Ser788Gly (NM_001407587.1, NM_001407590.1, NM_001407591.1 and 22 more transcripts); c.2356A>G, p.Ser786Gly (NM_001407646.1, NM_001407647.1); c.2242A>G, p.Ser748Gly (NM_001407648.1, NM_001407664.1, NM_001407665.1 and 19 more transcripts); c.2239A>G, p.Ser747Gly (NM_001407649.1, NM_001407670.1, NM_001407671.1 and 11 more transcripts); c.2287A>G, p.Ser763Gly (NM_001407653.1, NM_001407654.1, NM_001407655.1 and 4 more transcripts); c.2284A>G, p.Ser762Gly (NM_001407659.1, NM_001407660.1, NM_001407661.1 and 1 more transcripts); and 41 more; short protein forms S789G, S742G, S493G, S718G, S788G, S621G, S700G, S747G.
Identifiers: ClinVar variation 845101 (VCV000845101.6), dbSNP rs2053773104, ClinGen allele CA10597279.